The following is an entry in ClinVar:

ClinVar aggregate classification (germline): Uncertain significance. Review status: criteria provided, multiple submitters, no conflicts (2 of 4 stars). 7 submissions from 7 submitters: Uncertain significance (6). 1 of the submissions does not count toward it. Last evaluated 2025-10-20.

Conditions:
Cardiovascular phenotype. Identifiers: MedGen CN230736.
Cardiac arrhythmia. Also called: Arrhythmia; Cardiac rhythm disease. Identifiers: MedGen C0003811, MONDO:0007263, HP:0011675.
Familial long QT syndrome (RWS). Also called: Congenital long QT syndrome; Romano-Ward syndrome; VENTRICULAR FIBRILLATION WITH PROLONGED QT INTERVAL. Identifiers: Orphanet 768, MedGen C1141890, MONDO:0019171.
Long QT syndrome (LQTS). Identifiers: MedGen C0023976, MeSH D008133, MONDO:0002442. Disease mechanism: loss of function. Inheritance: Various modes of inheritance.
Long QT syndrome 1 (LQT1). Identifiers: Orphanet 101016, Orphanet 768, MedGen C4551647, MONDO:0100316, OMIM 192500, MONDO:0008646.

Allele frequency attached by ClinVar (database versions not stated): ExAC 0.00002; gnomAD exomes 0.00004 and 0.00003; gnomAD 0.00006 and 0.00005; TOPMed 0.00003.
gnomAD v4.1: 45 of 1,613,708 alleles (0.0028%); highest among the groups gnomAD compares: Non-Finnish European, 0.0037%; no homozygotes.

Submissions (7):

Labcorp Genetics (formerly Invitae), Labcorp
Classification: Uncertain significance for Long QT syndrome. Last evaluated: 2025-10-20. Review status: criteria provided, single submitter. Criteria: Invitae Variant Classification Sherloc (09022015). Collection method: clinical testing. Allele origin: germline.
Comment: This sequence change replaces glycine, which is neutral and non-polar, with aspartic acid, which is acidic and polar, at codon 292 of the KCNQ1 protein (p.Gly292Asp). This variant is present in population databases (rs199472736, gnomAD 0.01%). This missense change has been observed in individual(s) with KCNQ1-related conditions (PMID: 12566525, 17470695, 26383259, 28532774, 31737537). ClinVar contains an entry for this variant (Variation ID: 67116). Invitae Evidence Modeling of protein sequence and biophysical properties (such as structural, functional, and spatial information, amino acid conservation, physicochemical variation, residue mobility, and thermodynamic stability) has been performed for this missense variant. However, the output from this modeling did not meet the statistical confidence thresholds required to predict the impact of this variant on KCNQ1 protein function. In summary, the available evidence is currently insufficient to determine the role of this variant in disease. Therefore, it has been classified as a Variant of Uncertain Significance.

All of Us Research Program, National Institutes of Health
Classification: Uncertain significance for Long QT syndrome. Last evaluated: 2024-07-20. Review status: criteria provided, single submitter. Criteria: ACMG Guidelines, 2015. Collection method: clinical testing. Allele origin: germline. Inheritance: Autosomal dominant inheritance. Observed: 9 variant alleles, 9 heterozygotes.
Comment: This missense variant replaces glycine with aspartic acid at codon 292 of the KCNQ1 protein. Computational prediction suggests that this variant may have deleterious impact on protein structure and function (internally defined REVEL score threshold >= 0.7, PMID: 27666373). To our knowledge, functional studies have not been reported for this variant. This variant has been reported in several individuals affected with or suspected of having long QT syndrome (PMID: 12566525, 15840476, 17470695, 19716085, 28532774), one of which had coexisting congenital heart disease (PMID: 28532774). This variant has also been reported in an individual affected with atrial fibrillation (PMID: 27325960) and in an individual affected with sudden unexpected death with right ventricle fibrosis (PMID: 26383259). This variant has been identified in 12/281670 chromosomes in the general population by the Genome Aggregation Database (gnomAD). The available evidence is insufficient to determine the role of this variant in disease conclusively. Therefore, this variant is classified as a Variant of Uncertain Significance.

This study involves interpretation of variants in research participants for the purpose of population health screening. Participant phenotype was not available at the time of variant classification. Additional details can be found in publication PMID: 35346344, PMCID: PMC8962531

Color Diagnostics, LLC DBA Color Health
Classification: Uncertain significance for Cardiac arrhythmia. Last evaluated: 2024-02-08. Review status: criteria provided, single submitter. Criteria: ACMG Guidelines, 2015. Collection method: clinical testing. Allele origin: germline.
Comment: This missense variant replaces glycine with aspartic acid at codon 292 of the KCNQ1 protein. Computational prediction suggests that this variant may have deleterious impact on protein structure and function (internally defined REVEL score threshold >= 0.7, PMID: 27666373). To our knowledge, functional studies have not been reported for this variant. This variant has been reported in several individuals affected with or suspected of having long QT syndrome (PMID: 12566525, 15840476, 17470695, 19716085, 28532774), one of which had coexisting congenital heart disease (PMID: 28532774). This variant has also been reported in an individual affected with atrial fibrillation (PMID: 27325960) and in an individual affected with sudden unexpected death with right ventricle fibrosis (PMID: 26383259). This variant has been identified in 12/281670 chromosomes in the general population by the Genome Aggregation Database (gnomAD). The available evidence is insufficient to determine the role of this variant in disease conclusively. Therefore, this variant is classified as a Variant of Uncertain Significance.

Ambry Genetics
Classification: Uncertain significance for Cardiovascular phenotype. Last evaluated: 2022-03-24. Review status: criteria provided, single submitter. Criteria: Ambry Variant Classification Scheme 2023. Collection method: clinical testing. Allele origin: germline.

Victorian Clinical Genetics Services, Murdoch Childrens Research Institute
Classification: Uncertain significance for Long QT syndrome 1. Last evaluated: 2020-06-11. Review status: criteria provided, single submitter. Criteria: ACMG Guidelines, 2015. Collection method: clinical testing. Allele origin: germline.
Comment: Based on the classification scheme VCGS_Germline_v1.1.1, this variant is classified as 3A-VUS. Following criteria are met: 0103 - Both loss- and gain-of-function are known mechanisms of disease for this gene. Loss-of-function has been associated with atrial fibrillation and Long QT, whereas gain-of-function seems to cause Short QT syndrome (OMIM). (N) 0104 - Dominant Negative is a mechanism of disease for this gene (OMIM). (N) 0108 - This gene is known to be associated with both recessive and dominant disease (OMIM). (N) 0113 - This gene is known to be imprinted (OMIM). (N) 0200 - Variant is predicted to result in a missense amino acid change from glycine to aspartic acid (exon 6). (N) 0251 - Variant is heterozygous. (N) 0302 - Variant is present in gnomAD <0.001 for a dominant condition (12 heterozygotes, 0 homozygotes). (P) 0502 - Missense variant with conflicting in silico predictions and/or uninformative conservation. (N) 0600 - Variant is located in an annotated domain or motif. The variant is located in the extracellular linker between the S5 and pore domains (PDB). (N) 0705 - No comparable variants have previous evidence for pathogenicity. (N) 0808 - Previous reports of pathogenicity are conflicting. This variant has been seen in multiple patients, mostly associated with Long QT syndrome, however reports are conflicting regarding the pathogenicity (ClinVar; LOVD; PMID: 28532774; PMID: 26383259; PMID: 15840476; PMID: 19716085; PMID: 28589536; PMID: 17470695). (N) 0905 - No segregation evidence has been identified for this variant. (N) 1007 - No published functional evidence has been identified for this variant. (N) 1208 - Inheritance information for this variant is not currently available. (N) Legend: (P) - Pathogenic, (N) - Neutral, (B) - Benign

GeneDx
Classification: Uncertain significance. Last evaluated: 2018-07-06. Review status: criteria provided, single submitter. Criteria: GeneDx Variant Classification (06012015). Collection method: clinical testing. Allele origin: germline. Affected: yes.
Comment: p.Gly292Asp (GGC>GAC): c.875 G>A in exon 6 of the KCNQ1 gene (NM_000218.2). A variant of uncertain significance has been identified in the KCNQ1 gene. The G292D variant has been published in association with LQTS (Van Langen et al., 2003; Tester et al., 2005; Moss et al., 2007). However, Van Langen et al. (2003) reported this variant in a patient who also harbored a splice site variant in KCNQ1. Furthermore, to our knowledge, no studies have been performed to determine the functional effect of the G292D variant. Nevertheless, this variant was not observed in approximately 6,500 individuals of European and African American ancestry in the NHLBI Exome Sequencing Project, indicating it is not a common benign variant in these populations. The G292D variant is a non-conservative amino acid substitution, which is likely to impact secondary protein structure as these residues differ in polarity, charge, size and/or other properties. Finally, this substitution occurs at a position that is conserved across species and in silico analysis predicts this variant is probably damaging to the protein structure/function.

Cardiovascular Biomedical Research Unit, Royal Brompton & Harefield NHS Foundation Trust
No classification provided. Condition: Familial long QT syndrome. Review status: no classification provided. Collection method: literature only. Allele origin: germline. Not counted in ClinVar's aggregate classification.
Comment: This variant has been reported as associated with Long QT syndrome in the following publications (PMID:12566525;PMID:15840476;PMID:19716085;PMID:17470695). This is a literature report, and does not necessarily reflect the clinical interpretation of the Imperial College / Royal Brompton Cardiovascular Genetics laboratory.

Literature cited by the submitters: PubMed 12566525 (cited by 4 submitters); PubMed 17470695 (cited by 5 submitters); PubMed 26383259 (cited by 4 submitters); PubMed 28532774 (cited by 4 submitters); PubMed 31737537 (cited by Labcorp Genetics (formerly Invitae), Labcorp); PubMed 15840476 (cited by 4 submitters); PubMed 19716085 (cited by 4 submitters); PubMed 27325960 (cited by All of Us Research Program, National Institutes of Health and Color Diagnostics, LLC DBA Color Health); PubMed 28589536 (cited by Victorian Clinical Genetics Services, Murdoch Childrens Research Institute); PubMed 22581653 (cited by Cardiovascular Biomedical Research Unit, Royal Brompton & Harefield NHS Foundation Trust).

NM_000218.3(KCNQ1):c.875G>A (p.Gly292Asp)

Gene: KCNQ1 (potassium voltage-gated channel subfamily Q member 1; plus strand). Cytogenetic location: 11p15.5.
Variant type: single nucleotide variant.
Coding change: c.875G>A on transcript NM_000218.3 (MANE Select); coding-DNA position 875, G replaced by A.
Protein change: p.Gly292Asp; replaces glycine 292 with aspartic acid.
Molecular consequence: missense variant.
Genome position (GRCh38, 1-based): chr11:2,572,940, G>A. VCF-style: chr11-2572940-G-A. GRCh37 (hg19) VCF-style: chr11-2594170-G-A.
Other names: p.G292D:GGC>GAC; c.875G>A (LRG_287t1); c.875G>A, p.Gly292Asp (NM_001406836.1); c.605G>A, p.Gly202Asp (NM_001406837.1); c.494G>A, p.Gly165Asp (NM_181798.2); short protein forms G292D, G165D, G202D.
Identifiers: ClinVar variation 67116 (VCV000067116.22), dbSNP rs199472736, ClinGen allele CA008520.